The following is an entry in ClinVar:

ClinVar aggregate classification (germline): Likely benign. Review status: criteria provided, multiple submitters, no conflicts (2 of 4 stars). 2 submissions from 2 submitters: Likely benign (2). Last evaluated 2025-12-09.

Conditions:
Fanconi anemia (FA). Also called: Fanconi's anemia. Identifiers: Orphanet 84, MedGen C0015625, MeSH D005199, MONDO:0019391.

Allele frequency attached by ClinVar (database versions not stated): ExAC 0.00001; gnomAD 0.00004; TOPMed 0.00004; ESP Exome Variant Server 0.00008.
gnomAD v4.1: 29 of 1,613,770 alleles (0.0018%); highest among the groups gnomAD compares: Non-Finnish European, 0.0023%; no homozygotes.

Submissions (2):

Labcorp Genetics (formerly Invitae), Labcorp
Classification: Likely benign for Fanconi anemia. Last evaluated: 2025-12-09. Review status: criteria provided, single submitter. Criteria: Invitae Variant Classification Sherloc (09022015). Collection method: clinical testing. Allele origin: germline.

CeGaT Center for Human Genetics Tuebingen
Classification: Likely benign. Last evaluated: 2024-06-01. Review status: criteria provided, single submitter. Criteria: CeGaT Center For Human Genetics Tuebingen Variant Classification Criteria Version 2. Collection method: clinical testing. Allele origin: germline. Affected: yes. Observed: 1 variant allele.
Comment: FANCD2: BP4, BP7

NM_001018115.3(FANCD2):c.1740C>T (p.Thr580=)

Genes: FANCD2 (FA complementation group D2; plus strand), LOC107303338 (3p25 FANCD2 Alu-mediated recombination region; plus strand). Cytogenetic location: 3p25.3.
Variant type: single nucleotide variant.
Coding change: c.1740C>T on transcript NM_001018115.3 (MANE Select); coding-DNA position 1740, C replaced by T.
Protein change: p.Thr580=; no amino-acid change (threonine 580 retained).
Molecular consequence: synonymous variant.
Genome position (GRCh38, 1-based): chr3:10,060,377, C>T. VCF-style: chr3-10060377-C-T. GRCh37 (hg19) VCF-style: chr3-10102061-C-T.
Other names: c.1740C>T, p.Thr580= (NM_001319984.2, NM_001374254.1, NM_033084.6); c.1629C>T, p.Thr543= (NM_001374253.1).
Identifiers: ClinVar variation 1590781 (VCV001590781.26), dbSNP rs200041772, ClinGen allele CA2249770.